The following is an entry in ClinVar:

ClinVar aggregate classification (germline): Pathogenic (1 of 4 stars; one submission).

Conditions:
RAPSN-related disorder. Also called: RAPSN-related condition; RAPSN-related disorders. Identifiers: MedGen CN239397.

Submission:

Myriad Genetics, Inc.
Classification: Pathogenic for RAPSN-related disorder. Last evaluated: 2023-09-27. Review status: criteria provided, single submitter. Criteria: Myriad Autosomal Dominant, Autosomal Recessive and X-Linked Classification Criteria (2023). Collection method: clinical testing. Allele origin: unknown.
Comment: NM_005055.4(RAPSN):c.353dupG(A119Cfs*39) is expected to be pathogenic in the context of RAPSN-related disorders. This variant is predicted to lead to an abnormal or absent protein product due to the creation of a premature termination codon in RAPSN, a gene where loss-of-function variants are known to be pathogenic. Please note: this variant was assessed in the context of healthy population screening.

NM_005055.5(RAPSN):c.353dup (p.Ala119fs)

Gene: RAPSN (receptor associated protein of the synapse; minus strand). Cytogenetic location: 11p11.2.
Variant type: Duplication.
Coding change: c.353dup on transcript NM_005055.5 (MANE Select); coding-DNA position 353, one base duplicated (G; older notation c.353dupG).
Protein change: p.Ala119fs; shifts the reading frame from alanine 119.
Molecular consequence: frameshift variant. On other transcripts: intron variant (1).
Genome position (GRCh38, 1-based): chr11:47,447,990, C duplicated on the plus strand (G on the coding strand, the reverse complement: RAPSN is on the minus strand); the first of 2 consecutive C bases (chr11:47,447,990-47,447,991); duplicating either gives the same sequence. VCF-style (leftmost placement, unchanged base first): chr11-47447989-A-AC. GRCh37 (hg19) VCF-style: chr11-47469541-A-AC.
Other names: c.353dup, p.Ala119fs (NM_001440490.1, NM_001440491.1, NM_001440492.1 and 12 more transcripts); c.192+783dup (NM_001440504.1); short protein forms A119fs.
Identifiers: ClinVar variation 5011778 (VCV005011778.1).